The following is an entry in ClinVar:

ClinVar aggregate classification (germline): Uncertain significance. Review status: criteria provided, multiple submitters, no conflicts (2 of 4 stars). 3 submissions from 3 submitters: Uncertain significance (2). 1 of the submissions does not count toward it. Last evaluated 2026-03-18.

Conditions:
Renal carnitine transport defect (CDSP). Also called: Carnitine Deficiency, Systemic; Systemic primary carnitine deficiency disease; Carnitine transporter deficiency; CARNITINE DEFICIENCY, SYSTEMIC, DUE TO DEFECT IN RENAL REABSORPTION OF CARNITINE; CARNITINE TRANSPORTER, PLASMA-MEMBRANE, DEFICIENCY OF; CARNITINE UPTAKE DEFECT. Identifiers: Orphanet 158, MedGen C0342788, MONDO:0008919, OMIM 212140.
Decreased circulating carnitine concentration. Also called: Decreased plasma carnitine. Identifiers: MedGen C5848230, HP:0003234.

Allele frequency attached by ClinVar (database versions not stated): ExAC 0.00001; gnomAD 0.00001; gnomAD exomes 0.00004; TOPMed 0.00004.
gnomAD v4.1: 54 of 1,613,268 alleles (0.0033%); highest among the groups gnomAD compares: Non-Finnish European, 0.0042%; no homozygotes.

Submissions (3):

GeneDx
Classification: Uncertain significance. Last evaluated: 2026-03-18. Review status: criteria provided, single submitter. Criteria: GeneDx Variant Classification Process June 2021. Collection method: clinical testing. Allele origin: germline.
Comment: Not observed at significant frequency in large population cohorts (gnomAD); In silico analysis supports that this missense variant has a deleterious effect on protein structure/function; Has not been previously published as pathogenic or benign to our knowledge

Labcorp Genetics (formerly Invitae), Labcorp
Classification: Uncertain significance for Renal carnitine transport defect. Last evaluated: 2024-12-25. Review status: criteria provided, single submitter. Criteria: Invitae Variant Classification Sherloc (09022015). Collection method: clinical testing. Allele origin: germline.
Comment: This sequence change replaces arginine, which is basic and polar, with tryptophan, which is neutral and slightly polar, at codon 341 of the SLC22A5 protein (p.Arg341Trp). This variant is present in population databases (rs780990156, gnomAD 0.007%). This variant has not been reported in the literature in individuals affected with SLC22A5-related conditions. ClinVar contains an entry for this variant (Variation ID: 965922). Invitae Evidence Modeling of protein sequence and biophysical properties (such as structural, functional, and spatial information, amino acid conservation, physicochemical variation, residue mobility, and thermodynamic stability) has been performed for this missense variant. However, the output from this modeling did not meet the statistical confidence thresholds required to predict the impact of this variant on SLC22A5 protein function. In summary, the available evidence is currently insufficient to determine the role of this variant in disease. Therefore, it has been classified as a Variant of Uncertain Significance.

Natera, Inc.
Classification: Uncertain significance for Carnitine deficiency. Last evaluated: 2020-05-18. Review status: no assertion criteria provided. Collection method: clinical testing. Allele origin: germline. Not counted in ClinVar's aggregate classification.

NM_003060.4(SLC22A5):c.1021C>T (p.Arg341Trp)

Gene: SLC22A5 (solute carrier family 22 member 5; plus strand). Cytogenetic location: 5q31.1.
Variant type: single nucleotide variant.
Coding change: c.1021C>T on transcript NM_003060.4 (MANE Select); coding-DNA position 1021, C replaced by T.
Protein change: p.Arg341Trp; replaces arginine 341 with tryptophan.
Molecular consequence: missense variant.
Genome position (GRCh38, 1-based): chr5:132,388,990, C>T. VCF-style: chr5-132388990-C-T. GRCh37 (hg19) VCF-style: chr5-131724682-C-T.
Other names: c.1093C>T, p.Arg365Trp (NM_001308122.2); short protein forms R365W, R341W.
Identifiers: ClinVar variation 965922 (VCV000965922.50), dbSNP rs780990156, ClinGen allele CA3404044.
Genomic context (GRCh38, chr5:132,388,990, plus strand): 5'-CTAAGTTCCAAGAAGCAGCAGTCCCACAACATTCTGGATCTGCTTCGAACCTGGAATATC[C>T]GGATGGTCACCATCATGTCCATAATGCTGTGGTATGTAAAAGAGACCTGCCTGAGGCTTC-3'
Protein context (NP_003051.1, residues 331-351): ILDLLRTWNI[Arg341Trp]MVTIMSIMLW